The following is an entry in ClinVar:

NM_021252.5(RAB18):c.*3584C>T

Gene: RAB18 (RAB18, member RAS oncogene family; plus strand). Cytogenetic location: 10p12.1.
Variant type: single nucleotide variant.
Coding change: c.*3584C>T on transcript NM_021252.5 (MANE Select); 3584 bases downstream of the stop codon, C replaced by T.
Molecular consequence: 3 prime UTR variant. On other transcripts: non-coding transcript variant (1).
Genome position (GRCh38, 1-based): chr10:27,541,635, C>T. VCF-style: chr10-27541635-C-T. GRCh37 (hg19) VCF-style: chr10-27830564-C-T.
Other names: c.*3584C>T (NM_001256410.2, NM_001256412.2); c.*3544C>T (NM_001256411.2).
Identifiers: ClinVar variation 299874 (VCV000299874.6), dbSNP rs11015862, ClinGen allele CA5452595.

ClinVar aggregate classification (germline): Benign. Review status: criteria provided, multiple submitters, no conflicts (2 of 4 stars). 2 submissions from 2 submitters: Benign (2). Last evaluated 2018-01-13.

Conditions:
Warburg micro syndrome 3 (WARBM3). Also called: MICRO SYNDROME 3. Identifiers: Orphanet 2510, MedGen C3280203, MONDO:0013638, OMIM 614222.

Allele frequency attached by ClinVar (database versions not stated): gnomAD 0.02826; gnomAD exomes 0.04200; ExAC 0.08138; 1000 Genomes Project 0.09285; TOPMed 0.02288.
gnomAD v4.1: 15,299 of 427,588 alleles (3.6%); highest among the groups gnomAD compares: East Asian, 31%; 1,086 homozygotes.

Submissions (2):

Illumina Laboratory Services, Illumina
Classification: Benign for Warburg micro syndrome 3. Last evaluated: 2018-01-13. Review status: criteria provided, single submitter. Criteria: ICSL Variant Classification Criteria 13 December 2019. Collection method: clinical testing. Allele origin: germline.
Comment: This variant was observed in the ICSL laboratory as part of a predisposition screen in an ostensibly healthy population. It had not been previously curated by ICSL or reported in the Human Gene Mutation Database (HGMD: prior to June 1st, 2018), and was therefore a candidate for classification through an automated scoring system. Utilizing variant allele frequency, disease prevalence and penetrance estimates, and inheritance mode, an automated score was calculated to assess if this variant is too frequent to cause the disease. Based on the score and internal cut-off values, a variant classified as benign is not then subjected to further curation. The score for this variant resulted in a classification of benign for this disease.

Breakthrough Genomics
Classification: Benign. Review status: criteria provided, single submitter. Criteria: ACMG Guidelines, 2015. Collection method: not provided. Allele origin: germline. Inheritance: Autosomal recessive inheritance. Affected: yes.